The following is an entry in ClinVar:

ClinVar aggregate classification (germline): Uncertain significance (1 of 4 stars; one submission).

Conditions:
Ataxia-telangiectasia syndrome (AT). Also called: ATAXIA-TELANGIECTASIA, FRESNO VARIANT; Ataxia-telangiectasia, complementation group D; AT, COMPLEMENTATION GROUP C; Ataxia-telangiectasia; Ataxia-telangiectasia, complementation group E; Ataxia telangiectasia (A-T). Identifiers: Orphanet 100, MedGen C0004135, MONDO:0008840, OMIM 208900.

Submission:

Labcorp Genetics (formerly Invitae), Labcorp
Classification: Uncertain significance for Ataxia-telangiectasia syndrome. Last evaluated: 2021-01-08. Review status: criteria provided, single submitter. Criteria: Invitae Variant Classification Sherloc (09022015). Collection method: clinical testing. Allele origin: germline.
Comment: This variant results in a copy number gain of the genomic region encompassing exon(s) 2-5 of the ATM gene, which includes the initiator codon. The 5' end of this event is unknown as it extends beyond the assayed region for this gene and therefore may encompass additional genes. The 3' boundary is likely confined to intron 5 of the ATM gene. As the precise location of this event is unknown, it may be in tandem or it may be located elsewhere in the genome. This variant has not been reported in the literature in individuals with ATM-related conditions. Experimental studies and prediction algorithms are not available or were not evaluated, and the functional significance of this variant is currently unknown. In summary, the available evidence is currently insufficient to determine the role of this variant in disease. Therefore, it has been classified as a Variant of Uncertain Significance.

NC_000011.9:g.(?_108098352)_(108106571_?)dup

Gene: ATM (ATM serine/threonine kinase; plus strand). Cytogenetic location: 11q22.3.
Variant type: Duplication.
Identifiers: ClinVar variation 1062369 (VCV001062369.4).